The following is an entry in ClinVar:

ClinVar aggregate classification (germline): Uncertain significance (1 of 4 stars; one submission).

Allele frequency attached by ClinVar (database versions not stated): gnomAD exomes below 0.00001.

Submission:

Labcorp Genetics (formerly Invitae), Labcorp
Classification: Uncertain significance. Last evaluated: 2023-02-08. Review status: criteria provided, single submitter. Criteria: Invitae Variant Classification Sherloc (09022015). Collection method: clinical testing. Allele origin: germline.
Comment: This sequence change replaces glutamic acid, which is acidic and polar, with lysine, which is basic and polar, at codon 52 of the KIDINS220 protein (p.Glu52Lys). This variant is not present in population databases (gnomAD no frequency). This variant has not been reported in the literature in individuals affected with KIDINS220-related conditions. Algorithms developed to predict the effect of missense changes on protein structure and function are either unavailable or do not agree on the potential impact of this missense change (SIFT: "Tolerated"; PolyPhen-2: "Probably Damaging"; Align-GVGD: "Class C0"). In summary, the available evidence is currently insufficient to determine the role of this variant in disease. Therefore, it has been classified as a Variant of Uncertain Significance.

NM_020738.4(KIDINS220):c.154G>A (p.Glu52Lys)

Gene: KIDINS220 (kinase D interacting substrate 220; minus strand). Cytogenetic location: 2p25.1.
Variant type: single nucleotide variant.
Coding change: c.154G>A on transcript NM_020738.4 (MANE Select); coding-DNA position 154, G replaced by A.
Protein change: p.Glu52Lys; replaces glutamic acid 52 with lysine.
Molecular consequence: missense variant. On other transcripts: non-coding transcript variant (2).
Genome position (GRCh38, 1-based): chr2:8,818,748, C>T on the plus strand (G>A on the coding strand, the complement: KIDINS220 is on the minus strand). VCF-style: chr2-8818748-C-T. GRCh37 (hg19) VCF-style: chr2-8958878-C-T.
Other names: c.154G>A, p.Glu52Lys (NM_001348743.2, NM_001348745.2, NM_001348729.2 and 9 more transcripts); c.28G>A, p.Glu10Lys (NM_001348736.2); short protein forms E52K, E10K.
Identifiers: ClinVar variation 2835526 (VCV002835526.3), dbSNP rs2528309709, ClinGen allele CA345774898.